The following is an entry in ClinVar:

NM_001059.3(TACR3):c.453G>A (p.Trp151Ter)

Gene: TACR3 (tachykinin receptor 3; minus strand). Cytogenetic location: 4q24.
Variant type: single nucleotide variant.
Coding change: c.453G>A on transcript NM_001059.3 (MANE Select); coding-DNA position 453, G replaced by A.
Protein change: p.Trp151Ter; replaces tryptophan 151 with a stop codon.
Molecular consequence: nonsense.
Genome position (GRCh38, 1-based): chr4:103,719,223, C>T on the plus strand (G>A on the coding strand, the complement: TACR3 is on the minus strand). VCF-style: chr4-103719223-C-T. GRCh37 (hg19) VCF-style: chr4-104640380-C-T.
Other names: short protein forms W151*.
Identifiers: ClinVar variation 5006714 (VCV005006714.2).

ClinVar aggregate classification (germline): Likely pathogenic (1 of 4 stars; one submission).

Conditions:
Hypogonadotropic hypogonadism 11 with or without anosmia (HH11). Also called: HYPOGONADOTROPIC HYPOGONADISM 11 WITHOUT ANOSMIA; TACR3-Related GnRH Deficiency. Identifiers: Orphanet 478, MedGen C3553844, MONDO:0013913, OMIM 614840.

gnomAD v4.1: 1 of 1,614,186 alleles (0.000062%); highest among the groups gnomAD compares: Non-Finnish European, 0.000085%; no homozygotes.

Submission:

Juno Genomics, Hangzhou Juno Genomics, Inc
Classification: Likely pathogenic for Hypogonadotropic hypogonadism 11 with or without anosmia. Review status: criteria provided, single submitter. Criteria: ACMG Guidelines, 2015. Collection method: clinical testing. Allele origin: germline.
Comment: Null variant in a gene where loss of function (LOF) is a known mechanism of disease.;Absent from controls (or at extremely low frequency if recessive) in Genome Aggregation Database.